The following is an entry in ClinVar:

NM_014363.6(SACS):c.7415del (p.Pro2472fs)

Gene: SACS (sacsin molecular chaperone; minus strand). Cytogenetic location: 13q12.12.
Variant type: Deletion.
Coding change: c.7415del on transcript NM_014363.6 (MANE Select); coding-DNA position 7415, one base deleted (C; older notation c.7415delC).
Protein change: p.Pro2472fs; shifts the reading frame from proline 2472.
Molecular consequence: frameshift variant.
Genome position (GRCh38, 1-based): chr13:23,336,461, G deleted on the plus strand (C on the coding strand, the reverse complement: SACS is on the minus strand); the first of 3 consecutive G bases (chr13:23,336,461-23,336,463); deleting any one gives the same sequence. VCF-style (leftmost placement, unchanged base first): chr13-23336460-AG-A. GRCh37 (hg19) VCF-style: chr13-23910599-AG-A.
Other names: c.6974del, p.Pro2325fs (NM_001278055.2); short protein forms P2325fs, P2472fs.
Identifiers: ClinVar variation 1452850 (VCV001452850.6), dbSNP rs2137600629, ClinGen allele CA2573149125.

ClinVar aggregate classification (germline): Pathogenic (1 of 4 stars; one submission).

Conditions:
Spastic paraplegia. Identifiers: MedGen C0037772, HP:0001258.

Submission:

Labcorp Genetics (formerly Invitae), Labcorp
Classification: Pathogenic for Spastic paraplegia. Last evaluated: 2021-09-22. Review status: criteria provided, single submitter. Criteria: Invitae Variant Classification Sherloc (09022015). Collection method: clinical testing. Allele origin: germline.
Comment: This sequence change creates a premature translational stop signal (p.Pro2472Leufs*3) in the SACS gene. While this is not anticipated to result in nonsense mediated decay, it is expected to disrupt the last 2108 amino acid(s) of the SACS protein. This variant has not been reported in the literature in individuals affected with SACS-related conditions. This variant is not present in population databases (ExAC no frequency). This variant disrupts a region of the SACS protein in which other variant(s) (p.Asn4549Asp) have been determined to be pathogenic (PMID: 15156359, 21507954). This suggests that this is a clinically significant region of the protein, and that variants that disrupt it are likely to be disease-causing. For these reasons, this variant has been classified as Pathogenic.

Literature cited by the submitters: PubMed 15156359; PubMed 21507954.